The following is an entry in ClinVar:

NM_000112.4(SLC26A2):c.1650del (p.Ser551fs)

Gene: SLC26A2 (solute carrier family 26 member 2; plus strand). Cytogenetic location: 5q32.
Variant type: Deletion.
Coding change: c.1650del on transcript NM_000112.4 (MANE Select); coding-DNA position 1650, one base deleted (G; older notation c.1650delG).
Protein change: p.Ser551fs; shifts the reading frame from serine 551.
Molecular consequence: frameshift variant.
Genome position (GRCh38, 1-based): chr5:149,981,243, G deleted. VCF-style (leftmost placement, unchanged base first): chr5-149981242-AG-A. GRCh37 (hg19) VCF-style: chr5-149360805-AG-A.
Other names: c.1650delG (NM_000112.4, NM_000112.3); c.1650del (NM_000112.3); short protein forms S551fs.
Identifiers: ClinVar variation 56016 (VCV000056016.27), dbSNP rs386833497, ClinGen allele CA263255.

ClinVar aggregate classification (germline): Pathogenic/Likely pathogenic. Review status: criteria provided, multiple submitters, no conflicts (2 of 4 stars). 9 submissions from 9 submitters: Pathogenic (4); Likely pathogenic (2). 3 of the submissions do not count toward it. Last evaluated 2025-12-10.

Conditions:
Osteochondrodysplasia. Identifiers: MedGen C0029422, MONDO:0005516.
SLC26A2-related disorder. Also called: SLC26A2-related condition; SLC26A2-related disorders. Identifiers: MedGen CN239404.
Achondrogenesis, type IB (ACG1B). Also called: Achondrogenesis Type 1B. Identifiers: Orphanet 932, Orphanet 93298, MedGen C0265274, MONDO:0010966, OMIM 600972.
Multiple epiphyseal dysplasia type 4 (EDM4). Also called: MULTIPLE EPIPHYSEAL DYSPLASIA, AUTOSOMAL RECESSIVE; MULTIPLE EPIPHYSEAL DYSPLASIA WITH BILAYERED PATELLAE; MULTIPLE EPIPHYSEAL DYSPLASIA WITH CLUBFOOT; Multiple Epiphyseal Dysplasia, Recessive; SLC26A2-Related Multiple Epiphyseal Dysplasia. Identifiers: Orphanet 93307, MedGen C1847593, MONDO:0009189, OMIM 226900.
Atelosteogenesis type II (AO2). Also called: NEONATAL OSSEOUS DYSPLASIA I; SLC26A2-Related Atelosteogenesis; Neonatal osseous dysplasia 1. Identifiers: Orphanet 56304, MedGen C1850554, MONDO:0009727, OMIM 256050.
Diastrophic dysplasia (DTD). Also called: Diastrophic dwarfism. Identifiers: Orphanet 628, MedGen C0220726, MONDO:0009107, OMIM 222600.

Allele frequency attached by ClinVar (database versions not stated): gnomAD 0.00003; gnomAD exomes 0.00008 and 0.00001; ExAC 0.00001; TOPMed 0.00002.

Submissions (9):

GeneDx
Classification: Pathogenic. Last evaluated: 2025-12-10. Review status: criteria provided, single submitter. Criteria: GeneDx Variant Classification Process June 2021. Collection method: clinical testing. Allele origin: germline. Affected: yes.
Comment: Frameshift variant predicted to result in abnormal protein length as the last 189 amino acid(s) are replaced with 33 different amino acid(s), and other similar variants have been reported in HGMD; Not observed at significant frequency in large population cohorts (gnomAD); This variant is associated with the following publications: (PMID: 11241838, 37454964, 37010288)

Women's Health and Genetics/Laboratory Corporation of America, LabCorp
Classification: Pathogenic for Osteochondrodysplasia. Last evaluated: 2025-08-29. Review status: criteria provided, single submitter. Criteria: LabCorp Variant Classification Summary - May 2015. Collection method: clinical testing. Allele origin: germline.
Comment: Variant summary: SLC26A2 c.1650delG (p.Ser551ValfsX34) results in a premature termination codon, predicted to cause a truncation of the encoded protein or absence of the protein, which are commonly known mechanisms for disease. Variant(s) downstream of this position have been determined to be pathogenic (example: p.Ala715Val). The variant allele was found at a frequency of 8e-06 in 250808 control chromosomes.c.1650delG has been reported in the literature in individual(s) affected with Diastrophic Dysplasia (Rossi_2001). To our knowledge, no experimental evidence demonstrating an impact on protein function has been reported. The following publication has been ascertained in the context of this evaluation (PMID: 11241838). ClinVar contains an entry for this variant (Variation ID: 56016). Based on the evidence outlined above, the variant was classified as pathogenic.

Natera, Inc.
Classification: Likely pathogenic for Achondrogenesis type IB. Last evaluated: 2025-01-21. Review status: criteria provided, single submitter. Criteria: Natera Variant Classification Schema (03/2026). Collection method: clinical testing. Allele origin: germline.
Comment: The c.1650delG variant in SLC26A2 is a frameshift variant predicted to shift the reading frame beginning at codon 551 and leads to a stop codon 34 codons downstream. This variant is expected to result in nonsense mediated decay, truncation, or a dysfunctional protein product. This variant is rare in the general population with a frequency below the threshold expected for the associated phenotype(s). Given the available evidence, this variant is classified as Likely Pathogenic.

Fulgent Genetics
Classification: Likely pathogenic for Diastrophic dysplasia; Multiple epiphyseal dysplasia type 4; Atelosteogenesis type II; Achondrogenesis, type IB. Last evaluated: 2024-06-07. Review status: criteria provided, single submitter. Criteria: ACMG Guidelines, 2015. Collection method: clinical testing. Allele origin: germline.

Baylor Genetics
Classification: Pathogenic for Achondrogenesis, type IB. Last evaluated: 2024-03-06. Review status: criteria provided, single submitter. Criteria: ACMG Guidelines, 2015. Collection method: clinical testing. Allele origin: unknown.

Labcorp Genetics (formerly Invitae), Labcorp
Classification: Pathogenic for Atelosteogenesis type II; Multiple epiphyseal dysplasia type 4; Achondrogenesis, type IB; Diastrophic dysplasia. Last evaluated: 2024-02-16. Review status: criteria provided, single submitter. Criteria: Invitae Variant Classification Sherloc (09022015). Collection method: clinical testing. Allele origin: germline.
Comment: This sequence change creates a premature translational stop signal (p.Ser551Valfs*34) in the SLC26A2 gene. While this is not anticipated to result in nonsense mediated decay, it is expected to disrupt the last 189 amino acid(s) of the SLC26A2 protein. This variant is present in population databases (rs386833497, gnomAD 0.002%). This premature translational stop signal has been observed in individual(s) with clinical features of SLC26A2-related conditions (PMID: 11241838). ClinVar contains an entry for this variant (Variation ID: 56016). This variant disrupts a region of the SLC26A2 protein in which other variant(s) (p.Glu703Glyfs*9) have been determined to be pathogenic (Invitae). This suggests that this is a clinically significant region of the protein, and that variants that disrupt it are likely to be disease-causing. For these reasons, this variant has been classified as Pathogenic.

PreventionGenetics, part of Exact Sciences
Classification: Pathogenic for SLC26A2-related condition. Last evaluated: 2024-08-05. Review status: no assertion criteria provided. Collection method: clinical testing. Allele origin: germline. Not counted in ClinVar's aggregate classification.
Comment: The SLC26A2 c.1650delG variant is predicted to result in a frameshift and premature protein termination (p.Ser551Valfs*34). This variant along with a second variant in this gene has been reported in at least one individual with diastrophic dysplasia (Paganini et al. 2023. PubMed ID: 37454964). This variant is reported in 0.00088% of alleles in individuals of European (non-Finnish) descent in gnomAD. Frameshift variants in SLC26A2 are expected to be pathogenic. This variant is interpreted as pathogenic.

Counsyl
Classification: Likely pathogenic for Multiple epiphyseal dysplasia 4. Last evaluated: 2015-01-23. Review status: no assertion criteria provided. Collection method: literature only. Allele origin: unknown. Inheritance: Autosomal recessive inheritance. Not counted in ClinVar's aggregate classification.

Juha Muilu Group; Institute for Molecular Medicine Finland (FIMM)
Classification: Likely pathogenic for Diastrophic dysplasia. Review status: no assertion criteria provided. Collection method: not provided. Allele origin: unknown. Not counted in ClinVar's aggregate classification.
Comment: FinDis database variant: This variant was not found or characterized by our laboratory, data were collected from public sources: see reference
ClinVar note: Converted during submission from probable-pathogenic to Likely pathogenic.

Literature cited by the submitters: PubMed 11241838 (cited by 3 submitters).